The following is an entry in ClinVar:

NM_032273.4(TMEM126A):c.433T>G (p.Leu145Val)

Gene: TMEM126A (transmembrane protein 126A; plus strand). Cytogenetic location: 11q14.1.
Variant type: single nucleotide variant.
Coding change: c.433T>G on transcript NM_032273.4 (MANE Select); coding-DNA position 433, T replaced by G.
Protein change: p.Leu145Val; replaces leucine 145 with valine.
Molecular consequence: missense variant.
Genome position (GRCh38, 1-based): chr11:85,656,346, T>G. VCF-style: chr11-85656346-T-G. GRCh37 (hg19) VCF-style: chr11-85367390-T-G.
Other names: c.223T>G, p.Leu75Val (NM_001244735.2); short protein forms L145V, L75V.
Identifiers: ClinVar variation 941053 (VCV000941053.6), dbSNP rs763871386, ClinGen allele CA381997433.
Genomic context (GRCh38, chr11:85,656,346, plus strand): 5'-ACTATCTCAATGTTTTCTTACAGGTATCAATCAGCTCTGTTACCACACAAAGGGAACATC[T>G]TAAGTTACTGGATTAGAACTTCTAAGCCTGTCTTTAGAAAGATGTTATTTCCTATTTTGC-3'
Protein context (NP_115649.1, residues 135-155): SALLPHKGNI[Leu145Val]SYWIRTSKPV

ClinVar aggregate classification (germline): Uncertain significance. Review status: criteria provided, multiple submitters, no conflicts (2 of 4 stars). 2 submissions from 2 submitters: Uncertain significance (2). Last evaluated 2025-10-28.

Allele frequency attached by ClinVar (database versions not stated): TOPMed below 0.00001.

Submissions (2):

Ambry Genetics
Classification: Uncertain significance. Last evaluated: 2025-10-28. Review status: criteria provided, single submitter. Criteria: Ambry Variant Classification Scheme 2023. Collection method: clinical testing. Allele origin: germline.

Labcorp Genetics (formerly Invitae), Labcorp
Classification: Uncertain significance. Last evaluated: 2022-06-04. Review status: criteria provided, single submitter. Criteria: Invitae Variant Classification Sherloc (09022015). Collection method: clinical testing. Allele origin: germline.
Comment: This sequence change replaces leucine, which is neutral and non-polar, with valine, which is neutral and non-polar, at codon 145 of the TMEM126A protein (p.Leu145Val). This variant is not present in population databases (gnomAD no frequency). This variant has not been reported in the literature in individuals affected with TMEM126A-related conditions. ClinVar contains an entry for this variant (Variation ID: 941053). Algorithms developed to predict the effect of missense changes on protein structure and function are either unavailable or do not agree on the potential impact of this missense change (SIFT: "Tolerated"; PolyPhen-2: "Possibly Damaging"; Align-GVGD: "Class C0"). Algorithms developed to predict the effect of sequence changes on RNA splicing suggest that this variant may create or strengthen a splice site. In summary, the available evidence is currently insufficient to determine the role of this variant in disease. Therefore, it has been classified as a Variant of Uncertain Significance.